The following is an entry in ClinVar:

NM_001384474.1(LOXHD1):c.3216+1G>T

Gene: LOXHD1 (lipoxygenase homology PLAT domains 1; minus strand). Cytogenetic location: 18q21.1.
Variant type: single nucleotide variant.
Coding change: c.3216+1G>T on transcript NM_001384474.1 (MANE Select); the canonical splice donor site of the intron after coding-DNA position 3216, G replaced by T.
Molecular consequence: splice donor variant.
Genome position (GRCh38, 1-based): chr18:46,559,447, C>A on the plus strand (G>T on the coding strand, the complement: LOXHD1 is on the minus strand). VCF-style: chr18-46559447-C-A. GRCh37 (hg19) VCF-style: chr18-44139410-C-A.
Other names: c.3216+1G>T (NM_144612.7).
Identifiers: ClinVar variation 1486226 (VCV001486226.6), dbSNP rs2144002229, ClinGen allele CA402368910.

ClinVar aggregate classification (germline): Likely pathogenic (1 of 4 stars; one submission).

Submission:

Labcorp Genetics (formerly Invitae), Labcorp
Classification: Likely pathogenic. Last evaluated: 2022-07-12. Review status: criteria provided, single submitter. Criteria: Invitae Variant Classification Sherloc (09022015). Collection method: clinical testing. Allele origin: germline.
Comment: ClinVar contains an entry for this variant (Variation ID: 1486226). Disruption of this splice site has been observed in individual(s) with deafness (Invitae). This variant is not present in population databases (gnomAD no frequency). This sequence change affects a donor splice site in intron 20 of the LOXHD1 gene. It is expected to disrupt RNA splicing. Variants that disrupt the donor or acceptor splice site typically lead to a loss of protein function (PMID: 16199547), and loss-of-function variants in LOXHD1 are known to be pathogenic (PMID: 19732867, 21465660, 25792669). Algorithms developed to predict the effect of sequence changes on RNA splicing suggest that this variant may disrupt the consensus splice site. In summary, the currently available evidence indicates that the variant is pathogenic, but additional data are needed to prove that conclusively. Therefore, this variant has been classified as Likely Pathogenic.

Literature cited by the submitters: PubMed 16199547; PubMed 19732867; PubMed 21465660; PubMed 25792669.